The following is an entry in ClinVar:

NM_014363.6(SACS):c.8377C>T (p.Gln2793Ter)

Gene: SACS (sacsin molecular chaperone; minus strand). Cytogenetic location: 13q12.12.
Variant type: single nucleotide variant.
Coding change: c.8377C>T on transcript NM_014363.6 (MANE Select); coding-DNA position 8377, C replaced by T.
Protein change: p.Gln2793Ter; replaces glutamine 2793 with a stop codon.
Molecular consequence: nonsense.
Genome position (GRCh38, 1-based): chr13:23,335,499, G>A on the plus strand (C>T on the coding strand, the complement: SACS is on the minus strand). VCF-style: chr13-23335499-G-A. GRCh37 (hg19) VCF-style: chr13-23909638-G-A.
Other names: c.7936C>T, p.Gln2646Ter (NM_001278055.2); c.8377C>T (NM_014363.5); short protein forms Q2793*, Q2646*.
Identifiers: ClinVar variation 558263 (VCV000558263.7), dbSNP rs1240368715, ClinGen allele CA387516772.
Genomic context (GRCh38, chr13:23,335,499, plus strand): 5'-CTTCAGAGTCCTCAGTATCCATAGTATAGGTTATTTGTTGAACTGGTATGTCTTTGAGCT[G>A]CCTCTTTTTAGTAACACTATCAATTACAGATGCATGAAATTGTTTCCTTTTCAATCTGTC-3'

ClinVar aggregate classification (germline): Pathogenic/Likely pathogenic. Review status: criteria provided, multiple submitters, no conflicts (2 of 4 stars). 3 submissions from 3 submitters: Pathogenic (1); Likely pathogenic (1). 1 of the submissions does not count toward it. Last evaluated 2024-05-03.

Conditions:
Spastic paraplegia. Identifiers: MedGen C0037772, HP:0001258.
Charlevoix-Saguenay spastic ataxia (SACS). Also called: SPASTIC ATAXIA 6, AUTOSOMAL RECESSIVE; AUTOSOMAL RECESSIVE SPASTIC ATAXIA OF CHARLEVOIX-SAGUENAY; Spastic ataxia of Charlevoix-Saguenay. Identifiers: Orphanet 98, MedGen C1849140, MONDO:0010041, OMIM 270550.

Allele frequency attached by ClinVar (database versions not stated): gnomAD exomes below 0.00001.
gnomAD v4.1: 1 of 1,613,632 alleles (0.000062%); highest among the groups gnomAD compares: Non-Finnish European, 0.000085%; no homozygotes.

Submissions (3):

Natera, Inc.
Classification: Likely pathogenic for Charlevoix-Saguenay type spastic ataxia. Last evaluated: 2024-05-03. Review status: criteria provided, single submitter. Criteria: Natera Variant Classification Schema (03/2026). Collection method: clinical testing. Allele origin: germline.
Comment: The c.8377C>T variant in SACS is a nonsense variant predicted to introduce a stop codon at amino acid 2793. This variant is expected to result in nonsense mediated decay, truncation, or a dysfunctional protein product. This variant is rare in the general population with a frequency below the threshold expected for the associated phenotype(s). Given the available evidence, this variant is classified as Likely Pathogenic.

Labcorp Genetics (formerly Invitae), Labcorp
Classification: Pathogenic for Spastic paraplegia. Last evaluated: 2022-12-03. Review status: criteria provided, single submitter. Criteria: Invitae Variant Classification Sherloc (09022015). Collection method: clinical testing. Allele origin: germline.
Comment: This variant is not present in population databases (gnomAD no frequency). This variant has not been reported in the literature in individuals affected with SACS-related conditions. ClinVar contains an entry for this variant (Variation ID: 558263). This variant disrupts a region of the SACS protein in which other variant(s) (p.Asn4549Asp) have been determined to be pathogenic (PMID: 15156359, 21507954). This suggests that this is a clinically significant region of the protein, and that variants that disrupt it are likely to be disease-causing. For these reasons, this variant has been classified as Pathogenic. This sequence change creates a premature translational stop signal (p.Gln2793*) in the SACS gene. While this is not anticipated to result in nonsense mediated decay, it is expected to disrupt the last 1787 amino acid(s) of the SACS protein.

Counsyl
Classification: Likely pathogenic for Charlevoix-Saguenay spastic ataxia. Last evaluated: 2018-05-10. Review status: no assertion criteria provided. Collection method: clinical testing. Allele origin: unknown. Not counted in ClinVar's aggregate classification.

Literature cited by the submitters: PubMed 15156359 (cited by Labcorp Genetics (formerly Invitae), Labcorp); PubMed 21507954 (cited by Labcorp Genetics (formerly Invitae), Labcorp).